The following is an entry in ClinVar:

NM_001042544.1(LTBP4):c.108G>A (p.Gln36=)

Gene: LTBP4 (latent transforming growth factor beta binding protein 4; plus strand). Cytogenetic location: 19q13.2.
Variant type: single nucleotide variant.
Coding change: c.108G>A on transcript NM_001042544.1; coding-DNA position 108, G replaced by A.
Protein change: p.Gln36=; no amino-acid change (glutamine 36 retained).
Molecular consequence: synonymous variant. On other transcripts: intron variant (1).
Genome position (GRCh38, 1-based): chr19:40,597,342, G>A. VCF-style: chr19-40597342-G-A. GRCh37 (hg19) VCF-style: chr19-41103248-G-A.
Other names: c.17-1855G>A (NM_003573.2).
Identifiers: ClinVar variation 666629 (VCV000666629.9), dbSNP rs184935788, ClinGen allele CA9447902.

ClinVar aggregate classification (germline): Benign/Likely benign. Review status: criteria provided, multiple submitters, no conflicts (2 of 4 stars). 4 submissions from 4 submitters: Benign (1); Likely benign (3). Last evaluated 2025-08-18.

Allele frequency attached by ClinVar (database versions not stated): TOPMed 0.00627; ExAC 0.00062; gnomAD 0.00562 and 0.00595; 1000 Genomes Project 30x 0.00703; gnomAD exomes 0.00063 and 0.00087; 1000 Genomes Project 0.00719.
gnomAD v4.1: 1,804 of 1,523,558 alleles (0.12%); highest among the groups gnomAD compares: African/African-American, 2.1%; 27 homozygotes.

Submissions (4):

Genomic Medicine Center of Excellence, King Faisal Specialist Hospital and Research Centre
Classification: Likely benign. Last evaluated: 2025-08-18. Review status: criteria provided, single submitter. Criteria: ACMG Guidelines, 2015. Collection method: clinical testing. Allele origin: germline.

Laboratory for Molecular Medicine, Mass General Brigham Personalized Medicine
Classification: Benign. Last evaluated: 2018-12-31. Review status: criteria provided, single submitter. Criteria: LMM Criteria. Collection method: clinical testing. Allele origin: germline. Observed: 1 variant allele.
Comment: The p.Gln36Gln variant in LTBP4 is classified as benign because it has been iden tified in 1.8% (223/12680) of African chromosomes including 4 homozygotes by gno mAD. ACMG/AMP criteria applied: BA1.

GeneDx
Classification: Likely benign. Last evaluated: 2018-08-03. Review status: criteria provided, single submitter. Criteria: GeneDx Variant Classification Process June 2021. Collection method: clinical testing. Allele origin: germline. Affected: yes.

Breakthrough Genomics
Classification: Likely benign. Review status: criteria provided, single submitter. Criteria: ACMG Guidelines, 2015. Collection method: not provided. Allele origin: germline. Inheritance: Autosomal recessive inheritance. Affected: yes.